The following is an entry in ClinVar:

GRCh38/hg38 2q13(chr2:111940205-112055854)x1

Genes: MERTK (MER proto-oncogene, tyrosine kinase; plus strand), TMEM87B (transmembrane protein 87B; plus strand), LOC112806037 (Sharpr-MPRA regulatory region 3720; plus strand), LOC122817727 (Sharpr-MPRA regulatory region 10261; plus strand), LOC129934574 (ATAC-STARR-seq lymphoblastoid silent region 11868; plus strand) and 1 more. Cytogenetic location: 2q13.
Variant type: copy number loss.
Change: copy number 1 (one copy instead of two) of chr2:111,940,205-112,055,854 (115.7 kb, GRCh38 coordinates, 1-based), cytogenetic band 2q13.
Identifiers: ClinVar variation 2579232 (VCV002579232.1).

ClinVar aggregate classification (germline): Pathogenic (1 of 4 stars; one submission).

Conditions:
Retinitis pigmentosa 38 (RP38). Also called: ROD-CONE DYSTROPHY, CHILDHOOD-ONSET. Identifiers: Orphanet 791, MedGen C3151228, MONDO:0013469, OMIM 613862.

Submission:

Broad Center for Mendelian Genomics, Broad Institute of MIT and Harvard
Classification: Pathogenic for Retinitis pigmentosa 38. Last evaluated: 2023-08-24. Review status: criteria provided, single submitter. Criteria: ACMG/ClinGen CNV Guidelines, 2019. Collection method: research. Allele origin: unknown. Inheritance: Autosomal recessive inheritance. Affected: yes.
Comment: A heterozygous deletion of exons 3-19 in MERTK (NM_006343.3) was identified by exome sequencing in one individual with retinitis pigmentosa in the compound heterozygous state, along with a known pathogenic variant (Variation ID: 437995) ([GRCh 38] chr2:111940205_112055854x1)(PMID: 34906470). These breakpoints have been estimated by exome sequencing only and therefore may not reflect the true breakpoints. Inheritance information is unavailable. The patient phenotype is nonspecific, but is consistent with cases described in the literature and/or published databases with overlapping variants. This exon deletion has also been reported in the literature in at least 3 individuals with MERTK-related retinopathy (PMID: 26103963, 29074561, 32783370). Of the 3 affected individuals, at least 1 was a homozygote, which increases the likelihood that the deletion is pathogenic (PMID: 26103963). This intragenic variant is predicted to cause a frameshift, which alters the protein’s amino acid sequence beginning at exon 3 and leads to a premature termination codon. This alteration is then predicted to lead to a truncated or absent protein. Loss of function of MERTK is an established disease mechanism in autosomal recessive MERTK-related retinopathy. Two different deletions overlapping this exon have been identified in the Genome Aggregation Database, one in 0.01% (1/9528) of African/African American chromosomes and the other in 0.15% (14/9534) of African/African American chromosomes (gnomAD; Structural variant: DEL_2_20959, DEL_2_21010), with no homozygotes. Although deletions overlapping the region of this CNV have been seen in the general population in a heterozygous state, their frequencies are not high enough to rule out a pathogenic role. In summary, this variant meets criteria to be classified as pathogenic for autosomal recessive MERTK-related retinopathy. The ACMG/ClinGen evidence codes and points used in this curation are as follows: 1: 0 points, 2: 0.90 points, 3: 0 points, 4-5: 0.45 points; Total: 1.35 points; Riggs 2020 (PMID: 31690835).

Literature cited by the submitters: PubMed 34906470; PubMed 26103963; PubMed 29074561; PubMed 32783370.